The following is an entry in ClinVar:

ClinVar aggregate classification (germline): Uncertain significance. Review status: criteria provided, multiple submitters, no conflicts (2 of 4 stars). 3 submissions from 3 submitters: Uncertain significance (3). Last evaluated 2026-08-19.

Conditions:
HGD-related disorder. Also called: HGD-related condition.
Inborn genetic diseases. Identifiers: MedGen C0950123, MeSH D030342.
Alkaptonuria (AKU). Also called: Alcaptonuria; HOMOGENTISIC ACID OXIDASE DEFICIENCY; Homogentisic acidura; Alkaptonuric ochronosis. Identifiers: Orphanet 56, MedGen C0002066, MONDO:0008753, OMIM 203500.

gnomAD v4.1: 16 of 1,612,628 alleles (0.00099%); highest among the groups gnomAD compares: Admixed American, 0.022%; no homozygotes.

Submissions (3):

PreventionGenetics, part of Exact Sciences
Classification: Uncertain significance for HGD-related condition. Last evaluated: 2026-08-19. Review status: criteria provided, single submitter. Criteria: ACMG Guidelines, 2015. Collection method: clinical testing. Allele origin: germline.
Comment: The HGD c.296C>G variant is predicted to result in the amino acid substitution p.Pro99Arg. To our knowledge, this variant has not been reported in the literature. This variant is reported in 0.0056% of alleles in individuals of Latino descent in gnomAD. At this time, the clinical significance of this variant is uncertain due to the absence of conclusive functional and genetic evidence.

Ambry Genetics
Classification: Uncertain significance for Inborn genetic diseases. Last evaluated: 2024-05-30. Review status: criteria provided, single submitter. Criteria: Ambry Variant Classification Scheme 2023. Collection method: clinical testing. Allele origin: germline.

Fulgent Genetics
Classification: Uncertain significance for Alkaptonuria. Last evaluated: 2024-05-22. Review status: criteria provided, single submitter. Criteria: ACMG Guidelines, 2015. Collection method: clinical testing. Allele origin: germline.

NM_000187.4(HGD):c.296C>G (p.Pro99Arg)

Gene: HGD (homogentisate 1,2-dioxygenase; minus strand). Cytogenetic location: 3q13.33.
Variant type: single nucleotide variant.
Coding change: c.296C>G on transcript NM_000187.4 (MANE Select); coding-DNA position 296, C replaced by G.
Protein change: p.Pro99Arg; replaces proline 99 with arginine.
Molecular consequence: missense variant.
Genome position (GRCh38, 1-based): chr3:120,652,638, G>C on the plus strand (C>G on the coding strand, the complement: HGD is on the minus strand). VCF-style: chr3-120652638-G-C. GRCh37 (hg19) VCF-style: chr3-120371485-G-C.
Other names: short protein forms P99R.
Identifiers: ClinVar variation 3284188 (VCV003284188.3).